The following is an entry in ClinVar:

NM_001080414.4(CCDC88C):c.3656G>A (p.Arg1219His)

Gene: CCDC88C (coiled-coil and HOOK domain protein 88C; minus strand). Cytogenetic location: 14q32.11.
Variant type: single nucleotide variant.
Coding change: c.3656G>A on transcript NM_001080414.4 (MANE Select); coding-DNA position 3656, G replaced by A.
Protein change: p.Arg1219His; replaces arginine 1219 with histidine.
Molecular consequence: missense variant. On other transcripts: non-coding transcript variant (2).
Genome position (GRCh38, 1-based): chr14:91,300,050, C>T on the plus strand (G>A on the coding strand, the complement: CCDC88C is on the minus strand). VCF-style: chr14-91300050-C-T. GRCh37 (hg19) VCF-style: chr14-91766394-C-T.
Other names: c.3656G>A (NM_001080414.3); short protein forms R1219H.
Identifiers: ClinVar variation 3730617 (VCV003730617.3).

ClinVar aggregate classification (germline): Conflicting classifications of pathogenicity. Review status: criteria provided, conflicting classifications (1 of 4 stars). 2 submissions from 2 submitters: Uncertain significance (1); Likely benign (1). Last evaluated 2025-10-29.

Conditions:
Inborn genetic diseases. Identifiers: MedGen C0950123, MeSH D030342.

gnomAD v4.1: 22 of 1,607,808 alleles (0.0014%); highest among the groups gnomAD compares: African/African-American, 0.004%; no homozygotes.

Submissions (2):

Ambry Genetics
Classification: Likely benign for Inborn genetic diseases. Last evaluated: 2025-10-29. Review status: criteria provided, single submitter. Criteria: Ambry Variant Classification Scheme 2023. Collection method: clinical testing. Allele origin: germline.

Labcorp Genetics (formerly Invitae), Labcorp
Classification: Uncertain significance. Last evaluated: 2024-03-18. Review status: criteria provided, single submitter. Criteria: Invitae Variant Classification Sherloc (09022015). Collection method: clinical testing. Allele origin: germline.
Comment: This sequence change replaces arginine, which is basic and polar, with histidine, which is basic and polar, at codon 1219 of the CCDC88C protein (p.Arg1219His). The frequency data for this variant in the population databases is considered unreliable, as metrics indicate poor data quality at this position in the gnomAD database. This variant has not been reported in the literature in individuals affected with CCDC88C-related conditions. Algorithms developed to predict the effect of missense changes on protein structure and function output the following: SIFT: "Not Available"; PolyPhen-2: "Benign"; Align-GVGD: "Not Available". The histidine amino acid residue is found in multiple mammalian species, which suggests that this missense change does not adversely affect protein function. In summary, the available evidence is currently insufficient to determine the role of this variant in disease. Therefore, it has been classified as a Variant of Uncertain Significance.